The following is an entry in ClinVar:

ClinVar aggregate classification (germline): Likely benign. Review status: criteria provided, multiple submitters, no conflicts (2 of 4 stars). 2 submissions from 2 submitters: Likely benign (2). Last evaluated 2026-01-13.

Conditions:
Combined immunodeficiency due to DOCK8 deficiency (HIES2). Also called: HIES autosomal recessive; HYPER-IgE RECURRENT INFECTION SYNDROME 2, AUTOSOMAL RECESSIVE; DOCK8 Deficiency; Hyper-IgE recurrent infection syndrome, autosomal recessive; HYPER-IgE SYNDROME 2, AUTOSOMAL RECESSIVE, WITH RECURRENT INFECTIONS. Identifiers: Orphanet 217390, MedGen C4722305, MONDO:0009478, OMIM 243700.

Submissions (2):

Labcorp Genetics (formerly Invitae), Labcorp
Classification: Likely benign for Combined immunodeficiency due to DOCK8 deficiency. Last evaluated: 2026-01-13. Review status: criteria provided, single submitter. Criteria: Invitae Variant Classification Sherloc (09022015). Collection method: clinical testing. Allele origin: germline.

GeneDx
Classification: Likely benign. Last evaluated: 2017-05-02. Review status: criteria provided, single submitter. Criteria: GeneDx Variant Classification (06012015). Collection method: clinical testing. Allele origin: germline. Affected: yes.
Comment: This variant is considered likely benign or benign based on one or more of the following criteria: it is a conservative change, it occurs at a poorly conserved position in the protein, it is predicted to be benign by multiple in silico algorithms, and/or has population frequency not consistent with disease.

NM_203447.4(DOCK8):c.3234+15_3234+16insCA

Gene: DOCK8 (dedicator of cytokinesis 8; plus strand). Cytogenetic location: 9p24.3.
Variant type: Insertion.
Coding change: c.3234+15_3234+16insCA on transcript NM_203447.4 (MANE Select); bases 15 to 16 of the intron after coding-DNA position 3234, CA inserted.
Molecular consequence: intron variant.
Genome position: GRCh38 VCF-style: chr9-399274-C-CCA. GRCh37 (hg19) VCF-style: chr9-399274-C-CCA.
Other names: c.3030+15_3030+16insCA (NM_001193536.2); c.2934+15_2934+16insCA (NM_001190458.2).
Identifiers: ClinVar variation 509316 (VCV000509316.9), dbSNP rs1554691268, ClinGen allele CA658797184.